The following is an entry in ClinVar:

ClinVar aggregate classification (germline): Uncertain significance (1 of 4 stars; one submission).

Submission:

GeneDx
Classification: Uncertain significance. Last evaluated: 2025-01-29. Review status: criteria provided, single submitter. Criteria: GeneDx Variant Classification Process June 2021. Collection method: clinical testing. Allele origin: germline. Affected: yes.
Comment: In silico analysis supports that this missense variant has a deleterious effect on protein structure/function; Has not been previously published as pathogenic or benign to our knowledge

NM_001364905.1(LRBA):c.1154G>T (p.Gly385Val)

Gene: LRBA (LPS responsive beige-like anchor protein; minus strand). Cytogenetic location: 4q31.3.
Variant type: single nucleotide variant.
Coding change: c.1154G>T on transcript NM_001364905.1 (MANE Select); coding-DNA position 1154, G replaced by T.
Protein change: p.Gly385Val; replaces glycine 385 with valine.
Molecular consequence: missense variant.
Genome position (GRCh38, 1-based): chr4:150,914,202, C>A on the plus strand (G>T on the coding strand, the complement: LRBA is on the minus strand). VCF-style: chr4-150914202-C-A. GRCh37 (hg19) VCF-style: chr4-151835354-C-A.
Other names: c.1154G>T, p.Gly385Val (NM_001199282.3, NM_001367550.1, NM_006726.5); short protein forms G385V.
Identifiers: ClinVar variation 4072574 (VCV004072574.1).
Genomic context (GRCh38, chr4:150,914,202, plus strand): 5'-TTCAAATCAAGCTGAACTAACATTGGTTAAGCACAAAACAGTAAGCAAACTACCTTGTAT[C>A]CCAGGCCCAACTGATAAATAGCAAATATCTGAGCTGCATTTAGAGCTTCACTGAAAAGGT-3'
Protein context (NP_001351834.1, residues 375-395): QIFAIYQLGL[Gly385Val]YKGTFKFKAE